The following is an entry in ClinVar:

NM_004994.3(MMP9):c.1778C>A (p.Ala593Glu)

Genes: MMP9 (matrix metallopeptidase 9; plus strand), SLC12A5-AS1 (SLC12A5 and MMP9 antisense RNA 1; minus strand). Cytogenetic location: 20q13.12.
Variant type: single nucleotide variant.
Coding change: c.1778C>A on transcript NM_004994.3 (MANE Select); coding-DNA position 1778, C replaced by A.
Protein change: p.Ala593Glu; replaces alanine 593 with glutamic acid.
Molecular consequence: missense variant. On other transcripts: non-coding transcript variant (1).
Genome position (GRCh38, 1-based): chr20:46,014,151, C>A. VCF-style: chr20-46014151-C-A. GRCh37 (hg19) VCF-style: chr20-44642790-C-A.
Other names: short protein forms A593E.
Identifiers: ClinVar variation 3397146 (VCV003397146.3).
Genomic context (GRCh38, chr20:46,014,151, plus strand): 5'-CCCCCAAACCGACGTGACCCTCCTCCCCTGCAGGGCGCCAGGTGTGGGTGTACACAGGCG[C>A]GTCGGTGCTGGGCCCGAGGCGTCTGGACAAGCTGGGCCTGGGAGCCGACGTGGCCCAGGT-3'
Protein context (NP_004985.2, residues 583-603): SGRQVWVYTG[Ala593Glu]SVLGPRRLDK

ClinVar aggregate classification (germline): Uncertain significance. Review status: criteria provided, multiple submitters, no conflicts (2 of 4 stars). 2 submissions from 2 submitters: Uncertain significance (2). Last evaluated 2024-11-14.

Submissions (2):

Ambry Genetics
Classification: Uncertain significance. Last evaluated: 2024-11-14. Review status: criteria provided, single submitter. Criteria: Ambry Variant Classification Scheme 2023. Collection method: clinical testing. Allele origin: germline.

Labcorp Genetics (formerly Invitae), Labcorp
Classification: Uncertain significance. Last evaluated: 2024-05-05. Review status: criteria provided, single submitter. Criteria: Invitae Variant Classification Sherloc (09022015). Collection method: clinical testing. Allele origin: germline.
Comment: This sequence change replaces alanine, which is neutral and non-polar, with glutamic acid, which is acidic and polar, at codon 593 of the MMP9 protein (p.Ala593Glu). This variant is not present in population databases (gnomAD no frequency). This variant has not been reported in the literature in individuals affected with MMP9-related conditions. Advanced modeling of protein sequence and biophysical properties (such as structural, functional, and spatial information, amino acid conservation, physicochemical variation, residue mobility, and thermodynamic stability) performed at Invitae indicates that this missense variant is not expected to disrupt MMP9 protein function with a negative predictive value of 80%. In summary, the available evidence is currently insufficient to determine the role of this variant in disease. Therefore, it has been classified as a Variant of Uncertain Significance.